The following is an entry in ClinVar:

NM_013339.4(ALG6):c.1307C>A (p.Ser436Tyr)

Gene: ALG6 (ALG6 alpha-1,3-glucosyltransferase; plus strand). Cytogenetic location: 1p31.3.
Variant type: single nucleotide variant.
Coding change: c.1307C>A on transcript NM_013339.4 (MANE Select); coding-DNA position 1307, C replaced by A.
Protein change: p.Ser436Tyr; replaces serine 436 with tyrosine.
Molecular consequence: missense variant.
Genome position (GRCh38, 1-based): chr1:63,429,107, C>A. VCF-style: chr1-63429107-C-A. GRCh37 (hg19) VCF-style: chr1-63894778-C-A.
Other names: short protein forms S436Y.
Identifiers: ClinVar variation 2419993 (VCV002419993.3), dbSNP rs773786211, ClinGen allele CA888416.
Genomic context (GRCh38, chr1:63,429,107, plus strand): 5'-TGCAGTTGAAATCCTTTTCCATTTCTGTGAGGAAATATCTTCCATGTTTTACATTTCTTT[C>A]CAGAATTATACAATATTTGGTAAGTTCAATTTTTAAGAAATGACACATTTTTCAGCATGT-3'
Protein context (NP_037471.2, residues 426-446): RKYLPCFTFL[Ser436Tyr]RIIQYLFLIS

ClinVar aggregate classification (germline): Uncertain significance (1 of 4 stars; one submission).

Conditions:
ALG6-congenital disorder of glycosylation 1C (CDG1C). Also called: Congenital disorder of glycosylation type 1C; Congenital disorder of glycosylation, type Ic; CARBOHYDRATE-DEFICIENT GLYCOPROTEIN SYNDROME, TYPE I, WITH DEFICIENT GLYCOSYLATION OF DOLICHOL-LINKED OLIGOSACCHARIDE; CARBOHYDRATE-DEFICIENT GLYCOPROTEIN SYNDROME, TYPE V; CDG Ic. Identifiers: Orphanet 79320, MedGen C2930997, MONDO:0011291, OMIM 603147.

gnomAD v4.1: 7 of 1,599,074 alleles (0.00044%); highest among the groups gnomAD compares: South Asian, 0.0067%; no homozygotes.

Submission:

Labcorp Genetics (formerly Invitae), Labcorp
Classification: Uncertain significance for ALG6-congenital disorder of glycosylation 1C. Last evaluated: 2021-08-27. Review status: criteria provided, single submitter. Criteria: Invitae Variant Classification Sherloc (09022015). Collection method: clinical testing. Allele origin: germline.
Comment: This sequence change replaces serine with tyrosine at codon 436 of the ALG6 protein (p.Ser436Tyr). The serine residue is weakly conserved and there is a large physicochemical difference between serine and tyrosine. This variant is present in population databases (rs773786211, ExAC 0.007%). This variant has not been reported in the literature in individuals affected with ALG6-related conditions. Algorithms developed to predict the effect of missense changes on protein structure and function are either unavailable or do not agree on the potential impact of this missense change (SIFT: "Deleterious"; PolyPhen-2: "Benign"; Align-GVGD: "Class C0"). In summary, the available evidence is currently insufficient to determine the role of this variant in disease. Therefore, it has been classified as a Variant of Uncertain Significance.